The following is an entry in ClinVar:

ClinVar aggregate classification (germline): Uncertain significance (1 of 4 stars; one submission).

Conditions:
RASopathy. Also called: Noonan spectrum disorder; rasopathies. Identifiers: Orphanet 536391, MedGen C5555857, MONDO:0021060.

Submission:

Labcorp Genetics (formerly Invitae), Labcorp
Classification: Uncertain significance for RASopathy. Last evaluated: 2025-01-30. Review status: criteria provided, single submitter. Criteria: Invitae Variant Classification Sherloc (09022015). Collection method: clinical testing. Allele origin: germline.
Comment: This sequence change replaces glycine, which is neutral and non-polar, with arginine, which is basic and polar, at codon 319 of the SOS1 protein (p.Gly319Arg). This variant is not present in population databases (gnomAD no frequency). This variant has not been reported in the literature in individuals affected with SOS1-related conditions. Invitae Evidence Modeling of protein sequence and biophysical properties (such as structural, functional, and spatial information, amino acid conservation, physicochemical variation, residue mobility, and thermodynamic stability) has been performed for this missense variant. However, the output from this modeling did not meet the statistical confidence thresholds required to predict the impact of this variant on SOS1 protein function. In summary, the available evidence is currently insufficient to determine the role of this variant in disease. Therefore, it has been classified as a Variant of Uncertain Significance.

NM_005633.4(SOS1):c.955G>A (p.Gly319Arg)

Gene: SOS1 (SOS Ras/Rac guanine nucleotide exchange factor 1; minus strand). Cytogenetic location: 2p22.1.
Variant type: single nucleotide variant.
Coding change: c.955G>A on transcript NM_005633.4 (MANE Select); coding-DNA position 955, G replaced by A.
Protein change: p.Gly319Arg; replaces glycine 319 with arginine.
Molecular consequence: missense variant.
Genome position (GRCh38, 1-based): chr2:39,035,410, C>T on the plus strand (G>A on the coding strand, the complement: SOS1 is on the minus strand). VCF-style: chr2-39035410-C-T. GRCh37 (hg19) VCF-style: chr2-39262551-C-T.
Other names: c.934G>A, p.Gly312Arg (NM_001382394.1); c.955G>A, p.Gly319Arg (NM_001382395.1); short protein forms G319R, G312R.
Identifiers: ClinVar variation 3720395 (VCV003720395.2).
Genomic context (GRCh38, chr2:39,035,410, plus strand): 5'-TTTTCAGACATTGTACATCTTCATTTAAAAATTACTATACCTGCAAATAAAGTGCTGCCC[C>T]AGGCTTTGATAACTGACTAAGGAAACGATCATGAAAACCAGGTCGCAAAATATCTCGAGC-3'
Protein context (NP_005624.2, residues 309-329): DRFLSQLSKP[Gly319Arg]AALYLQSIGE